The following is an entry in ClinVar:

ClinVar aggregate classification (germline): Uncertain significance (1 of 4 stars; one submission).

Conditions:
MITF-related disorder. Also called: MITF-related condition.

gnomAD v4.1: 1 of 1,614,022 alleles (0.000062%); highest among the groups gnomAD compares: South Asian, 0.0011%; no homozygotes.

Submission:

PreventionGenetics, part of Exact Sciences
Classification: Uncertain significance for MITF-related condition. Last evaluated: 2026-02-20. Review status: criteria provided, single submitter. Criteria: ACMG Guidelines, 2015. Collection method: clinical testing. Allele origin: germline.
Comment: The MITF c.730G>C variant is predicted to result in the amino acid substitution p.Gly244Arg. This variant has been reported as a somatic variant in one melanoma tissue sample (Cronin et al. 2009. PubMed ID: 19422606). However, to our knowledge, this variant has not been reported as a germline variant in the literature or in large population databases (gnomAD), indicating this variant is rare. An alternative substitution affecting the same amino acid (p.Gly244Glu) has been reported in individuals with Waardenburg syndrome (Zhang et al. 2021. PubMed ID: 34149797). Although we suspect that this variant may be pathogenic, at this time, the clinical significance of this variant is uncertain due to the absence of conclusive functional and genetic evidence.

NM_001354604.2(MITF):c.1051G>C (p.Gly351Arg)

Gene: MITF (melanocyte inducing transcription factor; plus strand). Cytogenetic location: 3p13.
Variant type: single nucleotide variant.
Coding change: c.1051G>C on transcript NM_001354604.2 (MANE Select); coding-DNA position 1051, G replaced by C.
Protein change: p.Gly351Arg; replaces glycine 351 with arginine.
Molecular consequence: missense variant.
Genome position (GRCh38, 1-based): chr3:69,959,292, G>C. VCF-style: chr3-69959292-G-C. GRCh37 (hg19) VCF-style: chr3-70008443-G-C.
Other names: c.730G>C, p.Gly244Arg (NM_000248.4); c.877G>C, p.Gly293Arg (NM_001184967.2, NM_001354608.2); c.1048G>C, p.Gly350Arg (NM_001354605.2); c.1030G>C, p.Gly344Arg (NM_001354606.2, NM_006722.3); c.982G>C, p.Gly328Arg (NM_001354607.2); c.712G>C, p.Gly238Arg (NM_198158.3); c.1033G>C, p.Gly345Arg (NM_198159.3); c.985G>C, p.Gly329Arg (NM_198177.3); and 1 more; short protein forms G182R, G328R, G350R, G238R, G293R, G344R, G345R, G244R.
Identifiers: ClinVar variation 4995748 (VCV004995748.1).